The following is an entry in ClinVar:

NM_002772.3(TMPRSS15):c.1929C>A (p.Cys643Ter)

Gene: TMPRSS15 (transmembrane serine protease 15; minus strand). Cytogenetic location: 21q21.1.
Variant type: single nucleotide variant.
Coding change: c.1929C>A on transcript NM_002772.3 (MANE Select); coding-DNA position 1929, C replaced by A.
Protein change: p.Cys643Ter; replaces cysteine 643 with a stop codon.
Molecular consequence: nonsense.
Genome position (GRCh38, 1-based): chr21:18,315,249, G>T on the plus strand (C>A on the coding strand, the complement: TMPRSS15 is on the minus strand). VCF-style: chr21-18315249-G-T. GRCh37 (hg19) VCF-style: chr21-19687566-G-T.
Other names: short protein forms C643*.
Identifiers: ClinVar variation 2004823 (VCV002004823.4), dbSNP rs2516620514, ClinGen allele CA409849455.

ClinVar aggregate classification (germline): Pathogenic (1 of 4 stars; one submission).

gnomAD v4.1: 1 of 1,611,958 alleles (0.000062%); no homozygotes.

Submission:

Labcorp Genetics (formerly Invitae), Labcorp
Classification: Pathogenic. Last evaluated: 2023-11-27. Review status: criteria provided, single submitter. Criteria: Invitae Variant Classification Sherloc (09022015). Collection method: clinical testing. Allele origin: germline.
Comment: This sequence change creates a premature translational stop signal (p.Cys643*) in the TMPRSS15 gene. It is expected to result in an absent or disrupted protein product. Loss-of-function variants in TMPRSS15 are known to be pathogenic (PMID: 11719902). This variant is not present in population databases (gnomAD no frequency). This variant has not been reported in the literature in individuals affected with TMPRSS15-related conditions. ClinVar contains an entry for this variant (Variation ID: 2004823). For these reasons, this variant has been classified as Pathogenic.

Literature cited by the submitters: PubMed 11719902.